The following is an entry in ClinVar:

NM_001112808.3(FPGT-TNNI3K):c.2508C>A (p.Asn836Lys)

Genes: FPGT-TNNI3K (FPGT-TNNI3K readthrough; plus strand), LRRC53 (leucine rich repeat containing 53; minus strand), TNNI3K (TNNI3 interacting kinase; plus strand). Cytogenetic location: 1p31.1.
Variant type: single nucleotide variant.
Coding change: c.2508C>A on transcript NM_001112808.3; coding-DNA position 2508, C replaced by A.
Protein change: p.Asn836Lys; replaces asparagine 836 with lysine.
Molecular consequence: missense variant. On other transcripts: intron variant (2).
Genome position (GRCh38, 1-based): chr1:74,492,120, C>A. VCF-style: chr1-74492120-C-A. GRCh37 (hg19) VCF-style: chr1-74957804-C-A.
Other names: c.2205C>A, p.Asn735Lys (NM_015978.3); c.-8-11152G>T (NM_001364666.2); c.-26-8745G>T (NM_001382280.1); short protein forms N735K, N849K, N836K.
Identifiers: ClinVar variation 931564 (VCV000931564.3), dbSNP rs199608014, ClinGen allele CA340799116.

ClinVar aggregate classification (germline): Uncertain significance (1 of 4 stars; one submission).

Conditions:
Atrial conduction disease. Identifiers: Orphanet 436242, MedGen CN221670, MONDO:0014500.

Submission:

Centre for Mendelian Genomics, University Medical Centre Ljubljana
Classification: Uncertain significance for Cardiac conduction disease with or without dilated cardiomyopathy 1. Last evaluated: 2019-06-03. Review status: criteria provided, single submitter. Criteria: ACMG Guidelines, 2015. Collection method: clinical testing. Allele origin: unknown. Affected: yes.
Comment: This variant was classified as: Uncertain significance. The available evidence on this variant's pathogenicity is insufficient or conflicting. The following ACMG criteria were applied in classifying this variant: PM2.